The following is an entry in ClinVar:

NM_006514.4(SCN10A):c.3067G>A (p.Glu1023Lys)

Genes: SCN10A (sodium voltage-gated channel alpha subunit 10; minus strand), LOC110121288 (VISTA enhancer hs2268; plus strand). Cytogenetic location: 3p22.2.
Variant type: single nucleotide variant.
Coding change: c.3067G>A on transcript NM_006514.4 (MANE Select); coding-DNA position 3067, G replaced by A.
Protein change: p.Glu1023Lys; replaces glutamic acid 1023 with lysine.
Molecular consequence: missense variant.
Genome position (GRCh38, 1-based): chr3:38,726,626, C>T on the plus strand (G>A on the coding strand, the complement: SCN10A is on the minus strand). VCF-style: chr3-38726626-C-T. GRCh37 (hg19) VCF-style: chr3-38768117-C-T.
Other names: c.3067G>A, p.Glu1023Lys (NM_001293306.2); c.2773G>A, p.Glu925Lys (NM_001293307.2); short protein forms E1023K, E925K.
Identifiers: ClinVar variation 1799441 (VCV001799441.4), dbSNP rs772571344, ClinGen allele CA2320378.

ClinVar aggregate classification (germline): Uncertain significance. Review status: criteria provided, multiple submitters, no conflicts (2 of 4 stars). 2 submissions from 2 submitters: Uncertain significance (2). Last evaluated 2025-05-15.

Conditions:
Cardiovascular phenotype. Identifiers: MedGen CN230736.
Brugada syndrome. Also called: Sudden unexpected nocturnal death syndrome; Sudden unexplained nocturnal death syndrome; Sudden Unexplained Death Syndrome; Sudden Unexplained Nocturnal Death Syndrome (SUNDS). Identifiers: Orphanet 130, MedGen C1142166, MONDO:0015263.

Allele frequency attached by ClinVar (database versions not stated): ExAC 0.00001; gnomAD 0.00002; TOPMed 0.00002.

Submissions (2):

Labcorp Genetics (formerly Invitae), Labcorp
Classification: Uncertain significance for Brugada syndrome. Last evaluated: 2025-05-15. Review status: criteria provided, single submitter. Criteria: Invitae Variant Classification Sherloc (09022015). Collection method: clinical testing. Allele origin: germline.
Comment: This sequence change replaces glutamic acid, which is acidic and polar, with lysine, which is basic and polar, at codon 1023 of the SCN10A protein (p.Glu1023Lys). This variant is present in population databases (rs772571344, gnomAD 0.002%). This variant has not been reported in the literature in individuals affected with SCN10A-related conditions. ClinVar contains an entry for this variant (Variation ID: 1799441). Invitae Evidence Modeling of protein sequence and biophysical properties (such as structural, functional, and spatial information, amino acid conservation, physicochemical variation, residue mobility, and thermodynamic stability) indicates that this missense variant is not expected to disrupt SCN10A protein function with a negative predictive value of 95%. In summary, the available evidence is currently insufficient to determine the role of this variant in disease. Therefore, it has been classified as a Variant of Uncertain Significance.

Ambry Genetics
Classification: Uncertain significance for Cardiovascular phenotype. Last evaluated: 2024-12-04. Review status: criteria provided, single submitter. Criteria: Ambry Variant Classification Scheme 2023. Collection method: clinical testing. Allele origin: germline.